The following is an entry in ClinVar:

ClinVar aggregate classification (germline): Uncertain significance (1 of 4 stars; one submission).

Conditions:
Pigmentary pallidal degeneration (NBIA1). Also called: Pantothenate Kinase-Associated Neurodegeneration; Neuroaxonal dystrophy, late infantile; Hallervorden-Spatz disease; PKAN NEUROAXONAL DYSTROPHY, JUVENILE-ONSET; Neurodegeneration with brain iron accumulation 1; HARP SYNDROME. Identifiers: Orphanet 157850, MedGen C0018523, MONDO:0009319, OMIM 234200.

Submission:

Juno Genomics, Hangzhou Juno Genomics, Inc
Classification: Uncertain significance for Pigmentary pallidal degeneration. Review status: criteria provided, single submitter. Criteria: ACMG Guidelines, 2015. Collection method: clinical testing. Allele origin: germline. Affected: yes.
Comment: Absent from controls (or at extremely low frequency if recessive) in Genome Aggregation Database, Exome Sequencing Project, 1000 Genomes Project, or Exome Aggregation Consortium.;Multiple lines of computational evidence support a deleterious effect on the gene or gene product (conservation, evolutionary, splicing impact, etc).;For recessive disorders, detected in trans with a pathogenic variant.

NM_001386393.1(PANK2):c.754T>A (p.Tyr252Asn)

Gene: PANK2 (pantothenate kinase 2; plus strand). Cytogenetic location: 20p13.
Variant type: single nucleotide variant.
Coding change: c.754T>A on transcript NM_001386393.1 (MANE Select); coding-DNA position 754, T replaced by A.
Protein change: p.Tyr252Asn; replaces tyrosine 252 with asparagine.
Molecular consequence: missense variant. On other transcripts: 5 prime UTR variant (1), non-coding transcript variant (1).
Genome position (GRCh38, 1-based): chr20:3,910,679, T>A. VCF-style: chr20-3910679-T-A. GRCh37 (hg19) VCF-style: chr20-3891326-T-A.
Other names: c.211T>A, p.Tyr71Asn (NM_001324191.2, NM_024960.6, NM_153640.4); c.-225T>A (NM_001324193.2); c.1084T>A, p.Tyr362Asn (NM_153638.4); short protein forms Y252N, Y362N, Y71N.
Identifiers: ClinVar variation 3392492 (VCV003392492.2).
Genomic context (GRCh38, chr20:3,910,679, plus strand): 5'-TTGATCAAAGGAATTTTATACATTGACTCAGTCGGATTCAATGGACGGTCACAGTGCTAT[T>A]ACTTTGAAAACCCTGCTGATTCTGAAAAGTGTCAGAAGTTACCATTTGATTTGAAAAATC-3'
Protein context (NP_001373322.1, residues 242-262): VGFNGRSQCY[Tyr252Asn]FENPADSEKC